The following is an entry in ClinVar:

NM_000066.4(C8B):c.1235-3C>T

Gene: C8B (complement C8 beta chain; minus strand). Cytogenetic location: 1p32.2.
Variant type: single nucleotide variant.
Coding change: c.1235-3C>T on transcript NM_000066.4 (MANE Select); 3 bases into the intron before coding-DNA position 1235, C replaced by T.
Molecular consequence: intron variant.
Genome position (GRCh38, 1-based): chr1:56,941,015, G>A on the plus strand (C>T on the coding strand, the complement: C8B is on the minus strand). VCF-style: chr1-56941015-G-A. GRCh37 (hg19) VCF-style: chr1-57406688-G-A.
Other names: c.1049-3C>T (NM_001278544.2); c.1079-3C>T (NM_001278543.2).
Identifiers: ClinVar variation 1363756 (VCV001363756.6), dbSNP rs111404913, ClinGen allele CA2573132481.

ClinVar aggregate classification (germline): Uncertain significance (1 of 4 stars; one submission).

Submission:

Labcorp Genetics (formerly Invitae), Labcorp
Classification: Uncertain significance. Last evaluated: 2023-07-17. Review status: criteria provided, single submitter. Criteria: Invitae Variant Classification Sherloc (09022015). Collection method: clinical testing. Allele origin: germline.
Comment: ClinVar contains an entry for this variant (Variation ID: 1363756). In summary, the available evidence is currently insufficient to determine the role of this variant in disease. Therefore, it has been classified as a Variant of Uncertain Significance. Variants that disrupt the consensus splice site are a relatively common cause of aberrant splicing (PMID: 17576681, 9536098). Algorithms developed to predict the effect of sequence changes on RNA splicing suggest that this variant is not likely to affect RNA splicing. This variant has not been reported in the literature in individuals affected with C8B-related conditions. This variant is not present in population databases (gnomAD no frequency). This sequence change falls in intron 8 of the C8B gene. It does not directly change the encoded amino acid sequence of the C8B protein. It affects a nucleotide within the consensus splice site.

Literature cited by the submitters: PubMed 17576681; PubMed 9536098.